The following is an entry in ClinVar:

NM_022552.5(DNMT3A):c.120G>A (p.Glu40=)

Gene: DNMT3A (DNA methyltransferase 3 alpha; minus strand). Cytogenetic location: 2p23.3.
Variant type: single nucleotide variant.
Coding change: c.120G>A on transcript NM_022552.5 (MANE Select); coding-DNA position 120, G replaced by A.
Protein change: p.Glu40=; no amino-acid change (glutamic acid 40 retained).
Molecular consequence: synonymous variant. On other transcripts: non-coding transcript variant (1).
Genome position (GRCh38, 1-based): chr2:25,300,196, C>T on the plus strand (G>A on the coding strand, the complement: DNMT3A is on the minus strand). VCF-style: chr2-25300196-C-T. GRCh37 (hg19) VCF-style: chr2-25523065-C-T.
Other names: c.120G>A, p.Glu40= (NM_001320892.2, NM_175629.2, NM_175630.1).
Identifiers: ClinVar variation 707468 (VCV000707468.15), dbSNP rs202118149, ClinGen allele CA1556547.

ClinVar aggregate classification (germline): Benign/Likely benign. Review status: criteria provided, multiple submitters, no conflicts (2 of 4 stars). 4 submissions from 4 submitters: Benign (2); Likely benign (1). 1 of the submissions does not count toward it. Last evaluated 2026-02-03.

Conditions:
DNMT3A-related disorder. Also called: DNMT3A-related disorders; DNMT3A-related condition.
Tatton-Brown-Rahman overgrowth syndrome. Also called: Tatton-Brown-Rahman syndrome; Tall stature-intellectual disability-facial dysmorphism syndrome. Identifiers: Orphanet 404443, MedGen C4014545, MONDO:0014382, OMIM 615879.
Acute myeloid leukemia (AML). Also called: Leukemia, acute myeloid, somatic; Leukemia, acute myelogenous, somatic; Acute myeloid leukemia, adult; AML adult; Acute non-lymphocytic leukemia; Acute granulocytic leukemia. Identifiers: Orphanet 519, MedGen C0023467, MeSH D015470, MONDO:0018874, OMIM 601626, HP:0004808. Disease mechanism: Constitutively activated FLT3.
Heyn-Sproul-Jackson syndrome. Also called: MICROCEPHALY, SHORT STATURE, AND IMPAIRED INTELLECTUAL DEVELOPMENT. Identifiers: Orphanet 658595, MedGen C5231475, MONDO:0032882, OMIM 618724.

Allele frequency attached by ClinVar (database versions not stated): gnomAD 0.00001 and 0.00061; TOPMed 0.00009; gnomAD exomes 0.00120 and 0.00242; ExAC 0.00300; 1000 Genomes Project 30x 0.00515; 1000 Genomes Project 0.00519.
gnomAD v4.1: 1,818 of 1,612,232 alleles (0.11%); highest among the groups gnomAD compares: South Asian, 1.9%; 41 homozygotes.

Submissions (4):

Labcorp Genetics (formerly Invitae), Labcorp
Classification: Benign for Tatton-Brown-Rahman overgrowth syndrome. Last evaluated: 2026-02-03. Review status: criteria provided, single submitter. Criteria: Invitae Variant Classification Sherloc (09022015). Collection method: clinical testing. Allele origin: germline.

Fulgent Genetics
Classification: Benign for Acute myeloid leukemia; Tatton-Brown-Rahman overgrowth syndrome; Heyn-Sproul-Jackson syndrome. Last evaluated: 2021-10-21. Review status: criteria provided, single submitter. Criteria: ACMG Guidelines, 2015. Collection method: clinical testing. Allele origin: unknown.

GeneDx
Classification: Likely benign. Last evaluated: 2021-01-28. Review status: criteria provided, single submitter. Criteria: GeneDx Variant Classification Process June 2021. Collection method: clinical testing. Allele origin: germline. Affected: yes.

PreventionGenetics, part of Exact Sciences
Classification: Benign for DNMT3A-related condition. Last evaluated: 2022-08-17. Review status: no assertion criteria provided. Collection method: clinical testing. Allele origin: germline. Not counted in ClinVar's aggregate classification.
Comment: This variant is classified as benign based on ACMG/AMP sequence variant interpretation guidelines (Richards et al. 2015 PMID: 25741868, with internal and published modifications).